The following is an entry in ClinVar:

ClinVar aggregate classification (germline): Uncertain significance (1 of 4 stars; one submission).

gnomAD v4.1: 1 of 1,611,604 alleles (0.000062%); highest among the groups gnomAD compares: Non-Finnish European, 0.000085%; no homozygotes.

Submission:

GeneDx
Classification: Uncertain significance. Last evaluated: 2023-06-07. Review status: criteria provided, single submitter. Criteria: GeneDx Variant Classification Process June 2021. Collection method: clinical testing. Allele origin: germline. Affected: yes.
Comment: Not observed at significant frequency in large population cohorts (gnomAD); In silico analysis supports that this missense variant has a deleterious effect on protein structure/function; Has not been previously published as pathogenic or benign to our knowledge

NM_001385012.1(NBEA):c.1850A>C (p.Tyr617Ser)

Gene: NBEA (neurobeachin; plus strand). Cytogenetic location: 13q13.3.
Variant type: single nucleotide variant.
Coding change: c.1850A>C on transcript NM_001385012.1 (MANE Select); coding-DNA position 1850, A replaced by C.
Protein change: p.Tyr617Ser; replaces tyrosine 617 with serine.
Molecular consequence: missense variant.
Genome position (GRCh38, 1-based): chr13:35,110,826, A>C. VCF-style: chr13-35110826-A-C. GRCh37 (hg19) VCF-style: chr13-35684963-A-C.
Other names: c.1850A>C, p.Tyr617Ser (NM_001379245.1, NM_015678.5); short protein forms Y617S.
Identifiers: ClinVar variation 3359298 (VCV003359298.1).